The following is an entry in ClinVar:

NM_018136.5(ASPM):c.4309C>T (p.Arg1437Cys)

Gene: ASPM (assembly factor for spindle microtubules; minus strand). Cytogenetic location: 1q31.3.
Variant type: single nucleotide variant.
Coding change: c.4309C>T on transcript NM_018136.5 (MANE Select); coding-DNA position 4309, C replaced by T.
Protein change: p.Arg1437Cys; replaces arginine 1437 with cysteine.
Molecular consequence: missense variant. On other transcripts: intron variant (1).
Genome position (GRCh38, 1-based): chr1:197,104,942, G>A on the plus strand (C>T on the coding strand, the complement: ASPM is on the minus strand). VCF-style: chr1-197104942-G-A. GRCh37 (hg19) VCF-style: chr1-197074072-G-A.
Other names: c.4066-8778C>T (NM_001206846.2); short protein forms R1437C.
Identifiers: ClinVar variation 194875 (VCV000194875.15), dbSNP rs371861473, ClinGen allele CA241078.

ClinVar aggregate classification (germline): Uncertain significance. Review status: criteria provided, multiple submitters, no conflicts (2 of 4 stars). 6 submissions from 6 submitters: Uncertain significance (6). Last evaluated 2023-12-29.

Conditions:
Inborn genetic diseases. Identifiers: MedGen C0950123, MeSH D030342.
Microcephaly 5, primary, autosomal recessive (MCPH5). Also called: ASPM Primary Microcephaly. Identifiers: Orphanet 2512, MedGen C1837501, MONDO:0012106, OMIM 608716.

Allele frequency attached by ClinVar (database versions not stated): ExAC 0.00005; gnomAD 0.00005 and 0.00006; TOPMed 0.00005; gnomAD exomes 0.00008; ESP Exome Variant Server 0.00015.
gnomAD v4.1: 252 of 1,611,778 alleles (0.016%); highest among the groups gnomAD compares: Non-Finnish European, 0.02%; no homozygotes.

Submissions (6):

Ambry Genetics
Classification: Uncertain significance for Inborn genetic diseases. Last evaluated: 2023-12-29. Review status: criteria provided, single submitter. Criteria: Ambry Variant Classification Scheme 2023. Collection method: clinical testing. Allele origin: germline.

GeneDx
Classification: Uncertain significance. Last evaluated: 2023-11-18. Review status: criteria provided, single submitter. Criteria: GeneDx Variant Classification Process June 2021. Collection method: clinical testing. Allele origin: germline. Affected: yes.
Comment: Has not been previously published as pathogenic or benign to our knowledge; In silico analysis supports that this missense variant has a deleterious effect on protein structure/function; Not observed at significant frequency in large population cohorts (gnomAD); Missense variant in a gene in which most reported pathogenic variants are truncating/loss of function

Genome-Nilou Lab
Classification: Uncertain significance for Microcephaly 5, primary, autosomal recessive. Last evaluated: 2023-04-11. Review status: criteria provided, single submitter. Criteria: ACMG Guidelines, 2015. Collection method: clinical testing. Allele origin: germline. Affected: no.

Blueprint Genetics
Classification: Uncertain significance. Last evaluated: 2022-07-21. Review status: criteria provided, single submitter. Criteria: ACMG Guidelines, 2015. Collection method: clinical testing. Allele origin: germline.

Labcorp Genetics (formerly Invitae), Labcorp
Classification: Uncertain significance. Last evaluated: 2022-05-03. Review status: criteria provided, single submitter. Criteria: Invitae Variant Classification Sherloc (09022015). Collection method: clinical testing. Allele origin: germline.
Comment: This sequence change replaces arginine, which is basic and polar, with cysteine, which is neutral and slightly polar, at codon 1437 of the ASPM protein (p.Arg1437Cys). This variant is present in population databases (rs371861473, gnomAD 0.01%). This variant has not been reported in the literature in individuals affected with ASPM-related conditions. ClinVar contains an entry for this variant (Variation ID: 194875). Algorithms developed to predict the effect of missense changes on protein structure and function output the following: SIFT: "Deleterious"; PolyPhen-2: "Benign"; Align-GVGD: "Class C15". The cysteine amino acid residue is found in multiple mammalian species, which suggests that this missense change does not adversely affect protein function. In summary, the available evidence is currently insufficient to determine the role of this variant in disease. Therefore, it has been classified as a Variant of Uncertain Significance.

Eurofins Ntd Llc (ga)
Classification: Uncertain significance. Last evaluated: 2014-12-29. Review status: criteria provided, single submitter. Criteria: EGL Classification Definitions 2015. Collection method: clinical testing. Allele origin: germline. Observed: 1 variant allele, 1 heterozygote.